The following is an entry in ClinVar:

NM_001267550.2(TTN):c.35876-5T>C

Gene: TTN (titin; minus strand). Cytogenetic location: 2q31.2.
Variant type: single nucleotide variant.
Coding change: c.35876-5T>C on transcript NM_001267550.2 (MANE Select); 5 bases into the intron before coding-DNA position 35876, T replaced by C.
Molecular consequence: intron variant.
Genome position (GRCh38, 1-based): chr2:178,665,796, A>G on the plus strand (T>C on the coding strand, the complement: TTN is on the minus strand). VCF-style: chr2-178665796-A-G. GRCh37 (hg19) VCF-style: chr2-179530523-A-G.
Other names: c.13283-23479T>C (NM_003319.4); c.13859-23479T>C (NM_133437.4); c.13658-23479T>C (NM_133432.3); c.31484-2741T>C (NM_133378.4); c.34265-2741T>C (NM_001256850.1).
Identifiers: ClinVar variation 1140074 (VCV001140074.11), dbSNP rs1388929614, ClinGen allele CA761302261.

ClinVar aggregate classification (germline): Likely benign. Review status: criteria provided, single submitter (1 of 4 stars). 2 submissions from 2 submitters: Likely benign (1). 1 of the submissions does not count toward it. Last evaluated 2025-12-31.

Conditions:
Dilated cardiomyopathy 1G (CMD1G). Identifiers: Orphanet 154, MedGen C1858763, MONDO:0011400, OMIM 604145.
Autosomal recessive limb-girdle muscular dystrophy type 2J (LGMDR10). Also called: Limb-girdle muscular dystrophy, type 2J; MUSCULAR DYSTROPHY, LIMB-GIRDLE, AUTOSOMAL RECESSIVE 10. Identifiers: Orphanet 140922, MedGen C1837342, MONDO:0012127, OMIM 608807.
TTN-related disorder. Also called: TTN-related condition; TTN-related disease; TTN-related disorders.

Allele frequency attached by ClinVar (database versions not stated): gnomAD exomes below 0.00001; TOPMed below 0.00001; gnomAD 0.00001.

Submissions (2):

Labcorp Genetics (formerly Invitae), Labcorp
Classification: Likely benign for Dilated cardiomyopathy 1G; Autosomal recessive limb-girdle muscular dystrophy type 2J. Last evaluated: 2025-12-31. Review status: criteria provided, single submitter. Criteria: Invitae Variant Classification Sherloc (09022015). Collection method: clinical testing. Allele origin: germline.

PreventionGenetics, part of Exact Sciences
Classification: Likely benign for TTN-related condition. Last evaluated: 2023-02-16. Review status: no assertion criteria provided. Collection method: clinical testing. Allele origin: germline. Not counted in ClinVar's aggregate classification.
Comment: This variant is classified as likely benign based on ACMG/AMP sequence variant interpretation guidelines (Richards et al. 2015 PMID: 25741868, with internal and published modifications).